The following is an entry in ClinVar:

NM_005157.6(ABL1):c.2097C>T (p.Ala699=)

Gene: ABL1 (ABL proto-oncogene 1, non-receptor tyrosine kinase; plus strand). Cytogenetic location: 9q34.12.
Variant type: single nucleotide variant.
Coding change: c.2097C>T on transcript NM_005157.6 (MANE Select); coding-DNA position 2097, C replaced by T.
Protein change: p.Ala699=; no amino-acid change (alanine 699 retained).
Molecular consequence: synonymous variant.
Genome position (GRCh38, 1-based): chr9:130,884,387, C>T. VCF-style: chr9-130884387-C-T. GRCh37 (hg19) VCF-style: chr9-133759774-C-T.
Other names: c.2154C>T, p.Ala718= (NM_007313.3).
Identifiers: ClinVar variation 2190816 (VCV002190816.18), dbSNP rs776177828, ClinGen allele CA5285624.

ClinVar aggregate classification (germline): Likely benign. Review status: criteria provided, multiple submitters, no conflicts (2 of 4 stars). 2 submissions from 2 submitters: Likely benign (2). Last evaluated 2026-08-01.

Allele frequency attached by ClinVar (database versions not stated): TOPMed 0.00006; gnomAD 0.00007; gnomAD exomes 0.00008; ExAC 0.00009.
gnomAD v4.1: 123 of 1,611,908 alleles (0.0076%); highest among the groups gnomAD compares: Non-Finnish European, 0.0097%; 1 homozygote.

Submissions (2):

CeGaT Center for Human Genetics Tuebingen
Classification: Likely benign. Last evaluated: 2026-08-01. Review status: criteria provided, single submitter. Criteria: CeGaT Center For Human Genetics Tuebingen Variant Classification Criteria Version 2. Collection method: clinical testing. Allele origin: germline. Affected: yes. Observed: 2 variant alleles.
Comment: ABL1: BP4, BP7

Labcorp Genetics (formerly Invitae), Labcorp
Classification: Likely benign. Last evaluated: 2025-09-05. Review status: criteria provided, single submitter. Criteria: Invitae Variant Classification Sherloc (09022015). Collection method: clinical testing. Allele origin: germline.